The following is an entry in ClinVar:

ClinVar aggregate classification (germline): Uncertain significance (1 of 4 stars; one submission).

Allele frequency attached by ClinVar (database versions not stated): gnomAD 0.00001; gnomAD exomes below 0.00001; TOPMed below 0.00001.
gnomAD v4.1: 7 of 1,613,942 alleles (0.00043%); highest among the groups gnomAD compares: Non-Finnish European, 0.00034%; no homozygotes.

Submission:

Labcorp Genetics (formerly Invitae), Labcorp
Classification: Uncertain significance. Last evaluated: 2022-03-07. Review status: criteria provided, single submitter. Criteria: Invitae Variant Classification Sherloc (09022015). Collection method: clinical testing. Allele origin: germline.
Comment: Algorithms developed to predict the effect of missense changes on protein structure and function (SIFT, PolyPhen-2, Align-GVGD) all suggest that this variant is likely to be tolerated. In summary, the available evidence is currently insufficient to determine the role of this variant in disease. Therefore, it has been classified as a Variant of Uncertain Significance. This variant has not been reported in the literature in individuals affected with REST-related conditions. This variant is present in population databases (no rsID available, gnomAD 0.007%). This sequence change replaces serine, which is neutral and polar, with glycine, which is neutral and non-polar, at codon 527 of the REST protein (p.Ser527Gly).

NM_005612.5(REST):c.1579A>G (p.Ser527Gly)

Gene: REST (RE1 silencing transcription factor; plus strand). Cytogenetic location: 4q12.
Variant type: single nucleotide variant.
Coding change: c.1579A>G on transcript NM_005612.5 (MANE Select); coding-DNA position 1579, A replaced by G.
Protein change: p.Ser527Gly; replaces serine 527 with glycine.
Molecular consequence: missense variant.
Genome position (GRCh38, 1-based): chr4:56,930,437, A>G. VCF-style: chr4-56930437-A-G. GRCh37 (hg19) VCF-style: chr4-57796603-A-G.
Other names: c.1579A>G, p.Ser527Gly (NM_001193508.2, NM_001363453.3); short protein forms S527G.
Identifiers: ClinVar variation 2168953 (VCV002168953.4), dbSNP rs1427457994, ClinGen allele CA357006940.